The following is an entry in ClinVar:

NM_017813.5(BPNT2):c.727C>T (p.Arg243Cys)

Gene: BPNT2 (3'(2'), 5'-bisphosphate nucleotidase 2; minus strand). Cytogenetic location: 8q12.1.
Variant type: single nucleotide variant.
Coding change: c.727C>T on transcript NM_017813.5 (MANE Select); coding-DNA position 727, C replaced by T.
Protein change: p.Arg243Cys; replaces arginine 243 with cysteine.
Molecular consequence: missense variant.
Genome position (GRCh38, 1-based): chr8:56,966,272, G>A on the plus strand (C>T on the coding strand, the complement: BPNT2 is on the minus strand). VCF-style: chr8-56966272-G-A. GRCh37 (hg19) VCF-style: chr8-57878831-G-A.
Other names: c.727C>T (NM_017813.3); short protein forms R243C.
Identifiers: ClinVar variation 2075262 (VCV002075262.2), dbSNP rs750461430, ClinGen allele CA4755825.

ClinVar aggregate classification (germline): Uncertain significance. Review status: criteria provided, multiple submitters, no conflicts (2 of 4 stars). 2 submissions from 2 submitters: Uncertain significance (2). Last evaluated 2022-06-02.

Allele frequency attached by ClinVar (database versions not stated): ExAC 0.00002; gnomAD 0.00002; TOPMed 0.00002.

Submissions (2):

Labcorp Genetics (formerly Invitae), Labcorp
Classification: Uncertain significance. Last evaluated: 2022-06-02. Review status: criteria provided, single submitter. Criteria: Invitae Variant Classification Sherloc (09022015). Collection method: clinical testing. Allele origin: germline.
Comment: This sequence change replaces arginine, which is basic and polar, with cysteine, which is neutral and slightly polar, at codon 243 of the IMPAD1 protein (p.Arg243Cys). This variant is present in population databases (rs750461430, gnomAD 0.003%). This variant has not been reported in the literature in individuals affected with IMPAD1-related conditions. Algorithms developed to predict the effect of missense changes on protein structure and function (SIFT, PolyPhen-2, Align-GVGD) all suggest that this variant is likely to be disruptive. In summary, the available evidence is currently insufficient to determine the role of this variant in disease. Therefore, it has been classified as a Variant of Uncertain Significance.

Ambry Genetics
Classification: Uncertain significance. Last evaluated: 2022-01-04. Review status: criteria provided, single submitter. Criteria: Ambry Variant Classification Scheme 2023. Collection method: clinical testing. Allele origin: germline.